The following is an entry in ClinVar:

NM_003560.4(PLA2G6):c.1747A>T (p.Met583Leu)

Gene: PLA2G6 (phospholipase A2 group VI; minus strand). Cytogenetic location: 22q13.1.
Variant type: single nucleotide variant.
Coding change: c.1747A>T on transcript NM_003560.4 (MANE Select); coding-DNA position 1747, A replaced by T.
Protein change: p.Met583Leu; replaces methionine 583 with leucine.
Molecular consequence: missense variant.
Genome position (GRCh38, 1-based): chr22:38,116,207, T>A on the plus strand (A>T on the coding strand, the complement: PLA2G6 is on the minus strand). VCF-style: chr22-38116207-T-A. GRCh37 (hg19) VCF-style: chr22-38512214-T-A.
Other names: c.1213A>T, p.Met405Leu (NM_001349867.2); c.1069A>T, p.Met357Leu (NM_001349868.2); c.1051A>T, p.Met351Leu (NM_001349869.2); c.1585A>T, p.Met529Leu (NM_001004426.3, NM_001199562.3, NM_001349865.2 and 1 more transcripts); c.1747A>T, p.Met583Leu (NM_001349864.2); short protein forms M351L, M357L, M405L, M583L, M529L.
Identifiers: ClinVar variation 2187652 (VCV002187652.4), dbSNP rs2517931211, ClinGen allele CA411525828.

ClinVar aggregate classification (germline): Uncertain significance (1 of 4 stars; one submission).

Conditions:
Infantile neuroaxonal dystrophy (NBIA2A). Also called: NEURODEGENERATION WITH BRAIN IRON ACCUMULATION 2A; SEITELBERGER DISEASE; Infantile neuroaxonal dystrophy 1. Identifiers: Orphanet 35069, MedGen C0270724, MONDO:0024457, OMIM 256600.

Submission:

Labcorp Genetics (formerly Invitae), Labcorp
Classification: Uncertain significance for Infantile neuroaxonal dystrophy. Last evaluated: 2022-05-06. Review status: criteria provided, single submitter. Criteria: Invitae Variant Classification Sherloc (09022015). Collection method: clinical testing. Allele origin: germline.
Comment: In summary, the available evidence is currently insufficient to determine the role of this variant in disease. Therefore, it has been classified as a Variant of Uncertain Significance. Advanced modeling of protein sequence and biophysical properties (such as structural, functional, and spatial information, amino acid conservation, physicochemical variation, residue mobility, and thermodynamic stability) performed at Invitae indicates that this missense variant is not expected to disrupt PLA2G6 protein function. This variant has not been reported in the literature in individuals affected with PLA2G6-related conditions. This variant is not present in population databases (gnomAD no frequency). This sequence change replaces methionine, which is neutral and non-polar, with leucine, which is neutral and non-polar, at codon 583 of the PLA2G6 protein (p.Met583Leu).